The following is an entry in ClinVar:

ClinVar aggregate classification (germline): Uncertain significance (1 of 4 stars; one submission).

Conditions:
Autosomal recessive limb-girdle muscular dystrophy type 2L (LGMDR12). Also called: Limb-Girdle Muscular Dystrophy R12 Anoctamin-5-Related (LGMD-R12); MUSCULAR DYSTROPHY, LIMB-GIRDLE, AUTOSOMAL RECESSIVE 12; Limb-girdle muscular dystrophy, type 2L. Identifiers: Orphanet 206549, MedGen C1969785, MONDO:0012652, OMIM 611307.
Gnathodiaphyseal dysplasia (GDD). Also called: GNATHODIAPHYSEAL SCLEROSIS; OSTEOGENESIS IMPERFECTA WITH UNUSUAL SKELETAL LESIONS. Identifiers: Orphanet 53697, MedGen C1833736, MONDO:0008151, OMIM 166260.

Allele frequency attached by ClinVar (database versions not stated): gnomAD exomes below 0.00001; TOPMed below 0.00001; gnomAD 0.00001.
gnomAD v4.1: 2 of 1,608,442 alleles (0.00012%); highest among the groups gnomAD compares: Non-Finnish European, 0.00017%; no homozygotes.

Submission:

Labcorp Genetics (formerly Invitae), Labcorp
Classification: Uncertain significance for Autosomal recessive limb-girdle muscular dystrophy type 2L; Gnathodiaphyseal dysplasia. Last evaluated: 2023-10-24. Review status: criteria provided, single submitter. Criteria: Invitae Variant Classification Sherloc (09022015). Collection method: clinical testing. Allele origin: germline.
Comment: This sequence change replaces tryptophan, which is neutral and slightly polar, with arginine, which is basic and polar, at codon 469 of the ANO5 protein (p.Trp469Arg). This variant is present in population databases (no rsID available, gnomAD 0.0009%). This variant has not been reported in the literature in individuals affected with ANO5-related conditions. An algorithm developed to predict the effect of missense changes on protein structure and function (PolyPhen-2) suggests that this variant is likely to be tolerated. In summary, the available evidence is currently insufficient to determine the role of this variant in disease. Therefore, it has been classified as a Variant of Uncertain Significance.

NM_213599.3(ANO5):c.1405T>C (p.Trp469Arg)

Gene: ANO5 (anoctamin 5; plus strand). Cytogenetic location: 11p14.3.
Variant type: single nucleotide variant.
Coding change: c.1405T>C on transcript NM_213599.3 (MANE Select); coding-DNA position 1405, T replaced by C.
Protein change: p.Trp469Arg; replaces tryptophan 469 with arginine.
Molecular consequence: missense variant.
Genome position (GRCh38, 1-based): chr11:22,257,752, T>C. VCF-style: chr11-22257752-T-C. GRCh37 (hg19) VCF-style: chr11-22279298-T-C.
Other names: c.1402T>C, p.Trp468Arg (NM_001142649.2); c.1363T>C, p.Trp455Arg (NM_001410963.1); c.1360T>C, p.Trp454Arg (NM_001410964.1); short protein forms W469R, W454R, W455R, W468R.
Identifiers: ClinVar variation 2928239 (VCV002928239.3), dbSNP rs1183218359, ClinGen allele CA379921859.
Genomic context (GRCh38, chr11:22,257,752, plus strand): 5'-TACATGCCTCTATACACGCGTATTCCATGGTACTTTCTTTCAGGAGCCACAGTGACATTA[T>C]GGGTGAGCATTTCTTTAAAAATTGCTATAATTTCTTCAACAGGTGATTAAATGAGCTATC-3'
Protein context (NP_998764.1, residues 459-479): YFLSGATVTL[Trp469Arg]MSLVVTSMVA